The following is an entry in ClinVar:

ClinVar aggregate classification (germline): Benign (1 of 4 stars; one submission).

Allele frequency attached by ClinVar (database versions not stated): 1000 Genomes Project 0.00200; 1000 Genomes Project 30x 0.00250; ESP Exome Variant Server 0.00816.
gnomAD v4.1: 17,556 of 1,600,024 alleles (1.1%); highest among the groups gnomAD compares: Non-Finnish European, 1.3%; 133 homozygotes.

Submission:

CeGaT Center for Human Genetics Tuebingen
Classification: Benign. Last evaluated: 2026-09-01. Review status: criteria provided, single submitter. Criteria: CeGaT Center For Human Genetics Tuebingen Variant Classification Criteria Version 2. Collection method: clinical testing. Allele origin: germline. Affected: yes. Observed: 27 variant alleles.
Comment: PRR12: BS1, BS2

NM_020719.3(PRR12):c.676C>A (p.Pro226Thr)

Gene: PRR12 (proline rich 12; plus strand). Cytogenetic location: 19q13.33.
Variant type: single nucleotide variant.
Coding change: c.676C>A on transcript NM_020719.3 (MANE Select); coding-DNA position 676, C replaced by A.
Protein change: p.Pro226Thr; replaces proline 226 with threonine.
Molecular consequence: missense variant.
Genome position (GRCh38, 1-based): chr19:49,595,011, C>A. VCF-style: chr19-49595011-C-A. GRCh37 (hg19) VCF-style: chr19-50098268-C-A.
Other names: short protein forms P226T.
Identifiers: ClinVar variation 2578837 (VCV002578837.25), dbSNP rs146291703, ClinGen allele CA9577712.